The following is an entry in ClinVar:

NM_005996.4(TBX3):c.-895TC[19]

Genes: TBX3 (T-box transcription factor 3; minus strand), TBX3-AS1 (TBX3 antisense RNA 1; plus strand). Cytogenetic location: 12q24.21.
Variant type: Microsatellite.
Coding change: c.-895TC[19] on transcript NM_005996.4 (MANE Select); 19 copies in a row of the 2-base unit TC starting at c.-895; the reference has 12 copies in a row; seven copies, 14 bases duplicated.
Molecular consequence: 5 prime UTR variant.
Genome position (GRCh38, 1-based): chr12:114,684,072-114,684,085, GAGAGAGAGAGAGA duplicated on the plus strand (TCTCTCTCTCTCTC on the coding strand, the reverse complement: TBX3 is on the minus strand); duplicating any 14 consecutive bases within chr12:114,684,072-114,684,095 gives the same sequence; the position shown is the placement nearest the transcript's 3' end. VCF-style (leftmost placement, unchanged base first): chr12-114684071-G-GGAGAGAGAGAGAGA. GRCh37 (hg19) VCF-style: chr12-115121876-G-GGAGAGAGAGAGAGA.
Other names: c.-895TC[19] (NM_016569.4).
Identifiers: ClinVar variation 3060700 (VCV003060700.2), dbSNP rs57078153, ClinGen allele CA683850906.

ClinVar aggregate classification (germline): Likely benign (0 of 4 stars; one submission).

Conditions:
TBX3-related disorder. Also called: TBX3-related condition.

Submission:

PreventionGenetics, part of Exact Sciences
Classification: Likely benign for TBX3-related condition. Last evaluated: 2023-01-27. Review status: no assertion criteria provided. Collection method: clinical testing. Allele origin: germline.
Comment: This variant is classified as likely benign based on ACMG/AMP sequence variant interpretation guidelines (Richards et al. 2015 PMID: 25741868, with internal and published modifications).